The following is an entry in ClinVar:

NM_006015.6(ARID1A):c.4081A>G (p.Met1361Val)

Gene: ARID1A (AT-rich interaction domain 1A; plus strand). Cytogenetic location: 1p36.11.
Variant type: single nucleotide variant.
Coding change: c.4081A>G on transcript NM_006015.6 (MANE Select); coding-DNA position 4081, A replaced by G.
Protein change: p.Met1361Val; replaces methionine 1361 with valine.
Molecular consequence: missense variant.
Genome position (GRCh38, 1-based): chr1:26,773,878, A>G. VCF-style: chr1-26773878-A-G. GRCh37 (hg19) VCF-style: chr1-27100369-A-G.
Other names: c.4081A>G, p.Met1361Val (NM_139135.4); short protein forms M1361V.
Identifiers: ClinVar variation 1261038 (VCV001261038.40), dbSNP rs770710220, ClinGen allele CA707401.

ClinVar aggregate classification (germline): Benign/Likely benign. Review status: criteria provided, multiple submitters, no conflicts (2 of 4 stars). 6 submissions from 6 submitters: Benign (2); Likely benign (4). Last evaluated 2025-12-13.

Conditions:
ARID1A-related disorder. Also called: ARID1A-related condition.
Inborn genetic diseases. Identifiers: MedGen C0950123, MeSH D030342.

Allele frequency attached by ClinVar (database versions not stated): gnomAD 0.00004; gnomAD exomes 0.00007 and 0.00017; TOPMed 0.00008; ExAC 0.00019.

Submissions (6):

Labcorp Genetics (formerly Invitae), Labcorp
Classification: Likely benign. Last evaluated: 2025-12-13. Review status: criteria provided, single submitter. Criteria: Invitae Variant Classification Sherloc (09022015). Collection method: clinical testing. Allele origin: germline.

PreventionGenetics, part of Exact Sciences
Classification: Likely benign for ARID1A-related condition. Last evaluated: 2025-08-04. Review status: criteria provided, single submitter. Criteria: ACMG Guidelines, 2015. Collection method: clinical testing. Allele origin: germline.
Comment: This variant is classified as likely benign based on ACMG/AMP sequence variant interpretation guidelines (Richards et al. 2015 PMID: 25741868, with internal and published modifications).

Ambry Genetics
Classification: Likely benign for Inborn genetic diseases. Last evaluated: 2024-05-02. Review status: criteria provided, single submitter. Criteria: Ambry Variant Classification Scheme 2023. Collection method: clinical testing. Allele origin: germline.

CeGaT Center for Human Genetics Tuebingen
Classification: Likely benign. Last evaluated: 2022-06-01. Review status: criteria provided, single submitter. Criteria: CeGaT Center For Human Genetics Tuebingen Variant Classification Criteria Version 2. Collection method: clinical testing. Allele origin: germline. Affected: yes. Observed: 1 variant allele.
Comment: ARID1A: PP2, BS1

GeneDx
Classification: Benign. Last evaluated: 2020-02-04. Review status: criteria provided, single submitter. Criteria: GeneDx Variant Classification Process June 2021. Collection method: clinical testing. Allele origin: germline. Affected: yes.

Breakthrough Genomics
Classification: Benign. Review status: criteria provided, single submitter. Criteria: ACMG Guidelines, 2015. Collection method: not provided. Allele origin: germline. Inheritance: Autosomal dominant inheritance. Affected: yes.